The following is an entry in ClinVar:

NM_080680.3(COL11A2):c.2182A>T (p.Ile728Phe)

Gene: COL11A2 (collagen type XI alpha 2 chain; minus strand). Cytogenetic location: 6p21.32.
Variant type: single nucleotide variant.
Coding change: c.2182A>T on transcript NM_080680.3 (MANE Select); coding-DNA position 2182, A replaced by T.
Protein change: p.Ile728Phe; replaces isoleucine 728 with phenylalanine.
Molecular consequence: missense variant.
Genome position (GRCh38, 1-based): chr6:33,176,291, T>A on the plus strand (A>T on the coding strand, the complement: COL11A2 is on the minus strand). VCF-style: chr6-33176291-T-A. GRCh37 (hg19) VCF-style: chr6-33144068-T-A.
Other names: c.1861A>T, p.Ile621Phe (NM_080679.3); c.1924A>T, p.Ile642Phe (NM_080681.3); short protein forms I728F, I621F, I642F.
Identifiers: ClinVar variation 356402 (VCV000356402.55), dbSNP rs188490457, ClinGen allele CA3751010.

ClinVar aggregate classification (germline): Conflicting classifications of pathogenicity. Review status: criteria provided, conflicting classifications (1 of 4 stars). 8 submissions from 7 submitters: Uncertain significance (7); Likely benign (1). Last evaluated 2026-04-01.

Conditions:
Otospondylomegaepiphyseal dysplasia, autosomal recessive (OSMEDB). Also called: Insley-Astley syndrome; CHONDRODYSTROPHY WITH SENSORINEURAL DEAFNESS. Identifiers: Orphanet 1427, MedGen CN034493, MONDO:0044206, OMIM 215150.
COL11A2-related disorder. Also called: COL11A2-related disorders; COL11A2-related condition.
Fibrochondrogenesis 2 (FBCG2). Identifiers: Orphanet 2021, MedGen C3281128, MONDO:0013795, OMIM 614524.

Allele frequency attached by ClinVar (database versions not stated): gnomAD 0.00011 and 0.00013; gnomAD exomes 0.00017 and 0.00019; ExAC 0.00021; TOPMed 0.00032; 1000 Genomes Project 0.00060; 1000 Genomes Project 30x 0.00078.
gnomAD v4.1: 318 of 1,607,274 alleles (0.02%); highest among the groups gnomAD compares: Admixed American, 0.08%; 1 homozygote.

Submissions (8):

CeGaT Center for Human Genetics Tuebingen
Classification: Uncertain significance. Last evaluated: 2026-04-01. Review status: criteria provided, single submitter. Criteria: CeGaT Center For Human Genetics Tuebingen Variant Classification Criteria Version 2. Collection method: clinical testing. Allele origin: germline. Affected: yes. Observed: 2 variant alleles.

PreventionGenetics, part of Exact Sciences
Classification: Uncertain significance for COL11A2-related condition. Last evaluated: 2026-02-26. Review status: criteria provided, single submitter. Criteria: ACMG Guidelines, 2015. Collection method: clinical testing. Allele origin: germline.
Comment: The COL11A2 c.2182A>T variant is predicted to result in the amino acid substitution p.Ile728Phe. To our knowledge, this variant has not been reported in the literature. This variant is reported in 0.059% of alleles in individuals of Latino descent in gnomAD. Although we suspect that this variant may be benign, at this time, the clinical significance of this variant is uncertain due to the absence of conclusive functional and genetic evidence.

Labcorp Genetics (formerly Invitae), Labcorp
Classification: Likely benign. Last evaluated: 2026-01-12. Review status: criteria provided, single submitter. Criteria: Invitae Variant Classification Sherloc (09022015). Collection method: clinical testing. Allele origin: germline.

GeneDx
Classification: Uncertain significance. Last evaluated: 2025-07-15. Review status: criteria provided, single submitter. Criteria: GeneDx Variant Classification Process June 2021. Collection method: clinical testing. Allele origin: germline. Affected: yes.
Comment: In silico analysis supports that this missense variant has a deleterious effect on protein structure/function; Has not been previously published as pathogenic or benign to our knowledge

Blueprint Genetics
Classification: Uncertain significance. Last evaluated: 2024-08-07. Review status: criteria provided, single submitter. Criteria: ACMG Guidelines, 2015. Collection method: clinical testing. Allele origin: germline.

Illumina Laboratory Services, Illumina
Classification: Uncertain significance for Fibrochondrogenesis 2. Last evaluated: 2018-01-12. Review status: criteria provided, single submitter. Criteria: ICSL Variant Classification Criteria 13 December 2019. Collection method: clinical testing. Allele origin: germline.

Illumina Laboratory Services, Illumina
Classification: Uncertain significance for Otospondylomegaepiphyseal dysplasia, autosomal recessive. Last evaluated: 2018-01-12. Review status: criteria provided, single submitter. Criteria: ICSL Variant Classification Criteria 13 December 2019. Collection method: clinical testing. Allele origin: germline.

Laboratory for Molecular Medicine, Mass General Brigham Personalized Medicine
Classification: Uncertain significance. Last evaluated: 2016-12-22. Review status: criteria provided, single submitter. Criteria: LMM Criteria. Collection method: clinical testing. Allele origin: germline. Observed: 1 variant allele.
Comment: The p.Ile728Phe variant in COL11A2 has not been previously reported in individua ls with hearing loss, but has been identified in 0.14% (10/7366) of Latino chrom osomes by the Exome Aggregation Consortium (ExAC ; dbSNP rs188490457). Although this variant has been seen in the general populat ion, its frequency is not high enough to rule out a pathogenic role. Computation al prediction tools and conservation analysis suggest that the p.Ile728Phe varia nt may impact the protein, though this information is not predictive enough to d etermine pathogenicity. In summary, the clinical significance of the p.Ile728Phe variant is uncertain.